The following is an entry in ClinVar:

ClinVar aggregate classification (germline): Conflicting classifications of pathogenicity. Review status: criteria provided, conflicting classifications (1 of 4 stars). 10 submissions from 10 submitters: Pathogenic (5); Likely pathogenic (4); Uncertain significance (1). Last evaluated 2026-02-07.

Conditions:
SLC12A3-related disorder. Also called: SLC12A3-related condition.
Renal tubulopathies.
Familial hypokalemia-hypomagnesemia (GTLMNS). Also called: gitelman syndrome; POTASSIUM AND MAGNESIUM DEPLETION; HYPOMAGNESEMIA-HYPOKALEMIA, PRIMARY RENOTUBULAR, WITH HYPOCALCIURIA. Identifiers: Orphanet 358, MedGen C0268450, MONDO:0009904, OMIM 263800.

Allele frequency attached by ClinVar (database versions not stated): 1000 Genomes Project 30x 0.00016; 1000 Genomes Project 0.00020; gnomAD exomes 0.00002 and 0.00005; ExAC 0.00005; gnomAD 0.00006 and 0.00007; TOPMed 0.00011.
gnomAD v4.1: 39 of 1,607,670 alleles (0.0024%); highest among the groups gnomAD compares: Admixed American, 0.023%; no homozygotes.

Submissions (10):

Genetics Laboratory, Great Ormond Street Hospital NHS Foundation Trust, North Thames Genomic Laboratory Hub
Classification: Likely pathogenic for Renal tubulopathies. Last evaluated: 2026-02-07. Review status: criteria provided, single submitter. Criteria: ACGS Best Practice Guidelines for Variant Classification in Rare Disease 2024 v1.2. Collection method: clinical testing. Allele origin: germline. Affected: yes.
Comment: PM2_moderate, PP3_supporting, PM3_strong

GeneDx
Classification: Likely pathogenic. Last evaluated: 2025-12-15. Review status: criteria provided, single submitter. Criteria: GeneDx Variant Classification Process June 2021. Collection method: clinical testing. Allele origin: germline.
Comment: In silico analysis supports that this missense variant has a deleterious effect on protein structure/function; This variant is associated with the following publications: (PMID: 27529443, 18391953, 17699451, 31398183, 26825084, 21753071, 23328711, 25838649)

Labcorp Genetics (formerly Invitae), Labcorp
Classification: Pathogenic. Last evaluated: 2025-11-27. Review status: criteria provided, single submitter. Criteria: Invitae Variant Classification Sherloc (09022015). Collection method: clinical testing. Allele origin: germline.
Comment: This sequence change replaces threonine, which is neutral and polar, with methionine, which is neutral and non-polar, at codon 382 of the SLC12A3 protein (p.Thr382Met). This variant is present in population databases (rs187885782, gnomAD 0.02%). This missense change has been observed in individual(s) with Gitelman syndrome (PMID: 18391953, 21753071, 23328711, 25838649, 26825084). In at least one individual the data is consistent with being in trans (on the opposite chromosome) from a pathogenic variant. ClinVar contains an entry for this variant (Variation ID: 951623). Invitae Evidence Modeling of protein sequence and biophysical properties (such as structural, functional, and spatial information, amino acid conservation, physicochemical variation, residue mobility, and thermodynamic stability) indicates that this missense variant is expected to disrupt SLC12A3 protein function with a positive predictive value of 95%. For these reasons, this variant has been classified as Pathogenic.

Natera, Inc.
Classification: Pathogenic for Gitelman syndrome. Last evaluated: 2025-04-12. Review status: criteria provided, single submitter. Criteria: Natera Variant Classification Schema (03/2026). Collection method: clinical testing. Allele origin: germline.
Comment: The c.1145C>T variant in SLC12A3 is a missense variant predicted to cause substitution of threonine to methionine at amino acid 382. This variant is rare in the general population with a frequency below the threshold expected for the associated phenotype(s). This variant has been observed in one or more individuals affected with the associated recessive disease, as either homozygous or compound heterozygous with a second variant (PMID: 21415153). Computational prediction algorithms indicate this variant is likely to affect gene or protein function. Given the available evidence, this variant is classified as Pathogenic.

Revvity Omics, Revvity
Classification: Likely pathogenic for Familial hypokalemia-hypomagnesemia. Last evaluated: 2024-07-08. Review status: criteria provided, single submitter. Criteria: ACMG Guidelines, 2015. Collection method: clinical testing. Allele origin: germline.

Blueprint Genetics
Classification: Pathogenic for SLC12A3-related disorders. Last evaluated: 2024-04-02. Review status: criteria provided, single submitter. Criteria: ACMG Guidelines, 2015. Collection method: clinical testing. Allele origin: germline. Affected: yes. Observed: 4 variant alleles.

Victorian Clinical Genetics Services, Murdoch Childrens Research Institute
Classification: Pathogenic for Familial hypokalemia-hypomagnesemia. Last evaluated: 2023-07-17. Review status: criteria provided, single submitter. Criteria: ACMG Guidelines, 2015. Collection method: clinical testing. Allele origin: germline. Inheritance: Autosomal recessive inheritance. Affected: yes.
Comment: Based on the classification scheme VCGS_Germline_v1.3.4, this variant is classified as Pathogenic. Following criteria are met: 0102 - Loss of function is a known mechanism of disease in this gene and is associated with Gitelman syndrome (MIM#263800). (I) 0106 - This gene is associated with autosomal recessive disease. (I) 0200 - Variant is predicted to result in a missense amino acid change from threonine to methionine. (I) 0251 - This variant is heterozygous. (I) 0304 - Variant is present in gnomAD <0.01 for a recessive condition (v2: 15 heterozygotes, 0 homozygotes). (SP) 0501 - Missense variant consistently predicted to be damaging by multiple in silico tools or highly conserved with a major amino acid change. (SP) 0600 - Variant is located in the annotated amino acid permease domain (DECIPHER). (I) 0801 - This variant has strong previous evidence of pathogenicity in unrelated individuals. This variant has been reported in more than ten unrelated individuals with Gitelman syndrome (ClinVar, PMID: 26825084, 21753071, 25838649, 23328711, 31398183, 18391953). (SP) 1208 - Inheritance information for this variant is not currently available in this individual. (I) Legend: (SP) - Supporting pathogenic, (I) - Information, (SB) - Supporting benign

MGZ Medical Genetics Center
Classification: Uncertain significance for Familial hypokalemia-hypomagnesemia. Last evaluated: 2021-10-26. Review status: criteria provided, single submitter. Criteria: ACMG Guidelines, 2015. Collection method: clinical testing. Allele origin: germline. Affected: yes. Observed: 1 variant allele.
Comment: ACMG criteria applied: PM3, PM2_SUP, PP2, PP3

Fulgent Genetics
Classification: Likely pathogenic for Familial hypokalemia-hypomagnesemia. Last evaluated: 2021-06-30. Review status: criteria provided, single submitter. Criteria: ACMG Guidelines, 2015. Collection method: clinical testing. Allele origin: unknown.
Comment: This variant has been detected in individual(s) who were sent for testing of Renasight - kidney gene panel.

Juno Genomics, Hangzhou Juno Genomics, Inc
Classification: Pathogenic for Familial hypokalemia-hypomagnesemia. Review status: criteria provided, single submitter. Criteria: ACMG Guidelines, 2015. Collection method: clinical testing. Allele origin: germline.
Comment: Absent from controls (or at extremely low frequency if recessive) in Genome Aggregation Database.;Multiple lines of computational evidence support a deleterious effect on the gene or gene product.;For recessive disorders, detected in trans with a pathogenic variant.;Patient's phenotype or family history is highly specific for a disease with a single genetic etiology.

Literature cited by the submitters: PubMed 18391953 (cited by Labcorp Genetics (formerly Invitae), Labcorp and Victorian Clinical Genetics Services, Murdoch Childrens Research Institute); PubMed 21753071 (cited by Labcorp Genetics (formerly Invitae), Labcorp and Victorian Clinical Genetics Services, Murdoch Childrens Research Institute); PubMed 23328711 (cited by Labcorp Genetics (formerly Invitae), Labcorp and Victorian Clinical Genetics Services, Murdoch Childrens Research Institute); PubMed 25838649 (cited by Labcorp Genetics (formerly Invitae), Labcorp and Victorian Clinical Genetics Services, Murdoch Childrens Research Institute); PubMed 26825084 (cited by Labcorp Genetics (formerly Invitae), Labcorp and Victorian Clinical Genetics Services, Murdoch Childrens Research Institute); PubMed 21415153 (cited by Natera, Inc.); PubMed 31398183 (cited by Victorian Clinical Genetics Services, Murdoch Childrens Research Institute).

NM_001126108.2(SLC12A3):c.1145C>T (p.Thr382Met)

Gene: SLC12A3 (solute carrier family 12 member 3; plus strand). Cytogenetic location: 16q13.
Variant type: single nucleotide variant.
Coding change: c.1145C>T on transcript NM_001126108.2 (MANE Select); coding-DNA position 1145, C replaced by T.
Protein change: p.Thr382Met; replaces threonine 382 with methionine.
Molecular consequence: missense variant.
Genome position (GRCh38, 1-based): chr16:56,878,126, C>T. VCF-style: chr16-56878126-C-T. GRCh37 (hg19) VCF-style: chr16-56912038-C-T.
Other names: c.1145C>T, p.Thr382Met (NM_000339.3); c.1142C>T, p.Thr381Met (NM_001126107.2); c.1145C>T (NM_001126108.1); short protein forms T381M, T382M.
Identifiers: ClinVar variation 951623 (VCV000951623.25), dbSNP rs187885782, ClinGen allele CA8069360.